The following is an entry in ClinVar:

ClinVar aggregate classification (germline): Likely benign (0 of 4 stars; one submission).

Conditions:
GFER-related disorder. Also called: GFER-related condition.

Submission:

PreventionGenetics, part of Exact Sciences
Classification: Likely benign for GFER-related condition. Last evaluated: 2020-03-23. Review status: no assertion criteria provided. Collection method: clinical testing. Allele origin: germline.
Comment: This variant is classified as likely benign based on ACMG/AMP sequence variant interpretation guidelines (Richards et al. 2015 PMID: 25741868, with internal and published modifications).

NM_005262.3(GFER):c.259-3C>T

Gene: GFER (growth factor, augmenter of liver regeneration; plus strand). Cytogenetic location: 16p13.3.
Variant type: single nucleotide variant.
Coding change: c.259-3C>T on transcript NM_005262.3 (MANE Select); 3 bases into the intron before coding-DNA position 259, C replaced by T.
Molecular consequence: intron variant.
Genome position (GRCh38, 1-based): chr16:1,984,744, C>T. VCF-style: chr16-1984744-C-T. GRCh37 (hg19) VCF-style: chr16-2034745-C-T.
Identifiers: ClinVar variation 3046957 (VCV003046957.2), dbSNP rs2548269074, ClinGen allele CA394302021.